The following is an entry in ClinVar:

NM_000257.4(MYH7):c.2005T>C (p.Phe669Leu)

Gene: MYH7 (myosin heavy chain 7; minus strand). Cytogenetic location: 14q11.2.
Variant type: single nucleotide variant.
Coding change: c.2005T>C on transcript NM_000257.4 (MANE Select); coding-DNA position 2005, T replaced by C.
Protein change: p.Phe669Leu; replaces phenylalanine 669 with leucine.
Molecular consequence: missense variant.
Genome position (GRCh38, 1-based): chr14:23,426,816, A>G on the plus strand (T>C on the coding strand, the complement: MYH7 is on the minus strand). VCF-style: chr14-23426816-A-G. GRCh37 (hg19) VCF-style: chr14-23896025-A-G.
Other names: c.2005T>C, p.Phe669Leu (NM_001407004.1); short protein forms F669L.
Identifiers: ClinVar variation 3387344 (VCV003387344.1).

ClinVar aggregate classification (germline): Uncertain significance (1 of 4 stars; one submission).

Conditions:
Cardiomyopathy (CMYO). Also called: Cardiomyopathies. Identifiers: Orphanet 167848, MedGen C0878544, MONDO:0004994, HP:0001638. Inheritance: Various modes of inheritance.

Submission:

All of Us Research Program, National Institutes of Health
Classification: Uncertain significance for Cardiomyopathy. Last evaluated: 2024-06-09. Review status: criteria provided, single submitter. Criteria: ACMG Guidelines, 2015. Collection method: clinical testing. Allele origin: germline. Inheritance: Autosomal dominant inheritance. Observed: 1 variant allele, 1 heterozygote.
Comment: This missense variant replaces phenylalanine with leucine at codon 669 of the MYH7 protein. This variant is found within a highly conserved region of the myosin head domain. Missense variants in this region have been shown to be significantly overrepresented in individuals with hypertrophic cardiomyopathy (PMID: 27532257). Computational prediction tools indicate that this variant has a deleterious impact on protein structure and function. To our knowledge, functional studies have not been reported for this variant. This variant has not been reported in individuals affected with cardiovascular disorders in the literature. This variant has not been identified in the general population by the Genome Aggregation Database (gnomAD). The available evidence is insufficient to determine the role of this variant in disease conclusively. Therefore, this variant is classified as a Variant of Uncertain Significance.

This study involves interpretation of variants in research participants for the purpose of population health screening. Participant phenotype was not available at the time of variant classification. Additional details can be found in publication PMID: 35346344, PMCID: PMC8962531

Literature cited by the submitters: PubMed 27532257.